The following is an entry in ClinVar:

ClinVar aggregate classification (germline): Uncertain significance (1 of 4 stars; one submission).

Submission:

Labcorp Genetics (formerly Invitae), Labcorp
Classification: Uncertain significance. Last evaluated: 2025-03-17. Review status: criteria provided, single submitter. Criteria: Invitae Variant Classification Sherloc (09022015). Collection method: clinical testing. Allele origin: germline.
Comment: This sequence change replaces serine, which is neutral and polar, with leucine, which is neutral and non-polar, at codon 1494 of the VCAN protein (p.Ser1494Leu). This variant is not present in population databases (gnomAD no frequency). This variant has not been reported in the literature in individuals affected with VCAN-related conditions. ClinVar contains an entry for this variant (Variation ID: 1488979). An algorithm developed to predict the effect of missense changes on protein structure and function (PolyPhen-2) suggests that this variant is likely to be disruptive. In summary, the available evidence is currently insufficient to determine the role of this variant in disease. Therefore, it has been classified as a Variant of Uncertain Significance.

NM_004385.5(VCAN):c.4481C>T (p.Ser1494Leu)

Genes: VCAN (versican; plus strand), VCAN-AS1 (VCAN antisense RNA 1; minus strand). Cytogenetic location: 5q14.3.
Variant type: single nucleotide variant.
Coding change: c.4481C>T on transcript NM_004385.5 (MANE Select); coding-DNA position 4481, C replaced by T.
Protein change: p.Ser1494Leu; replaces serine 1494 with leucine.
Molecular consequence: missense variant. On other transcripts: intron variant (2).
Genome position (GRCh38, 1-based): chr5:83,537,484, C>T. VCF-style: chr5-83537484-C-T. GRCh37 (hg19) VCF-style: chr5-82833303-C-T.
Other names: c.1520C>T, p.Ser507Leu (NM_001164097.2); c.4004-8053C>T (NM_001164098.2); c.1043-8053C>T (NM_001126336.3); short protein forms S1494L, S507L.
Identifiers: ClinVar variation 1488979 (VCV001488979.6), dbSNP rs2112440080, ClinGen allele CA360308354.